The following is an entry in ClinVar:

NM_020975.6(RET):c.2158C>T (p.Pro720Ser)

Gene: RET (ret proto-oncogene; plus strand). Cytogenetic location: 10q11.21.
Variant type: single nucleotide variant.
Coding change: c.2158C>T on transcript NM_020975.6 (MANE Select); coding-DNA position 2158, C replaced by T.
Protein change: p.Pro720Ser; replaces proline 720 with serine.
Molecular consequence: missense variant.
Genome position (GRCh38, 1-based): chr10:43,116,605, C>T. VCF-style: chr10-43116605-C-T. GRCh37 (hg19) VCF-style: chr10-43612053-C-T.
Other names: c.2158C>T, p.Pro720Ser (NM_000323.2, NM_001406743.1, NM_001406744.1 and 4 more transcripts); c.1396C>T, p.Pro466Ser (NM_001355216.2); c.2029C>T, p.Pro677Ser (NM_001406761.1, NM_001406762.1, NM_001406764.1); c.2023C>T, p.Pro675Ser (NM_001406763.1, NM_001406765.1); c.1870C>T, p.Pro624Ser (NM_001406766.1, NM_001406767.1, NM_001406770.1); c.1894C>T, p.Pro632Ser (NM_001406768.1); c.1762C>T, p.Pro588Ser (NM_001406769.1, NM_001406772.1); c.1720C>T, p.Pro574Ser (NM_001406771.1, NM_001406773.1); and 10 more; short protein forms P720S, P466S, P376S, P381S, P545S, P677S, P237S, P378S.
Identifiers: ClinVar variation 405521 (VCV000405521.16), dbSNP rs1060500753, ClinGen allele CA16612882.

ClinVar aggregate classification (germline): Uncertain significance. Review status: criteria provided, multiple submitters, no conflicts (2 of 4 stars). 5 submissions from 5 submitters: Uncertain significance (5). Last evaluated 2025-06-23.

Conditions:
Hereditary cancer-predisposing syndrome. Also called: Neoplastic Syndromes, Hereditary; Tumor predisposition; Hereditary Cancer Syndrome; Hereditary neoplastic syndrome. Identifiers: Orphanet 140162, MedGen C0027672, MeSH D009386, MONDO:0015356.
Multiple endocrine neoplasia, type 2 (MEN2). Identifiers: Orphanet 653, MedGen C4048306, MONDO:0019003. Disease mechanism: gain of function.

Allele frequency attached by ClinVar (database versions not stated): gnomAD exomes below 0.00001; gnomAD 0.00001; TOPMed 0.00001.

Submissions (5):

Color Diagnostics, LLC DBA Color Health
Classification: Uncertain significance for Multiple endocrine neoplasia, type 2. Last evaluated: 2025-06-23. Review status: criteria provided, single submitter. Criteria: ACMG Guidelines, 2015. Collection method: clinical testing. Allele origin: germline.
Comment: This missense variant replaces proline with serine at codon 720 of the RET protein. Computational prediction suggests that this variant may have deleterious impact on protein structure and function. To our knowledge, functional studies have not been reported for this variant. This variant has not been reported in individuals affected with RET-related disorders in the literature. This variant has not been identified in the general population by the Genome Aggregation Database (gnomAD). The available evidence is insufficient to determine the role of this variant in disease conclusively. Therefore, this variant is classified as a Variant of Uncertain Significance.

Labcorp Genetics (formerly Invitae), Labcorp
Classification: Uncertain significance for Multiple endocrine neoplasia, type 2. Last evaluated: 2025-05-27. Review status: criteria provided, single submitter. Criteria: Invitae Variant Classification Sherloc (09022015). Collection method: clinical testing. Allele origin: germline.
Comment: This sequence change replaces proline, which is neutral and non-polar, with serine, which is neutral and polar, at codon 720 of the RET protein (p.Pro720Ser). This variant is not present in population databases (gnomAD no frequency). This variant has not been reported in the literature in individuals affected with RET-related conditions. ClinVar contains an entry for this variant (Variation ID: 405521). An algorithm developed to predict the effect of missense changes on protein structure and function (PolyPhen-2) suggests that this variant is likely to be tolerated. In summary, the available evidence is currently insufficient to determine the role of this variant in disease. Therefore, it has been classified as a Variant of Uncertain Significance.

Dasa
Classification: Uncertain significance. Last evaluated: 2025-05-26. Review status: criteria provided, single submitter. Criteria: DASA Assertion Criteria. Collection method: clinical testing. Allele origin: germline.
Comment: NM_020975.6(RET):c.2158C>T (p.Pro720Ser) is a missense variant that results in the substitution of proline with serine. This variant is rare in population databases. Computational prediction algorithms are consistent with a deleterious effect. The currently available literature and clinical evidence are not sufficient to establish a definitive association between this variant and the reported condition. Therefore, this variant is classified as a variant of uncertain significance.

Blueprint Genetics
Classification: Uncertain significance. Last evaluated: 2024-07-25. Review status: criteria provided, single submitter. Criteria: ACMG Guidelines, 2015. Collection method: clinical testing. Allele origin: germline.

Ambry Genetics
Classification: Uncertain significance for Hereditary cancer-predisposing syndrome. Last evaluated: 2024-05-31. Review status: criteria provided, single submitter. Criteria: Ambry Variant Classification Scheme 2023. Collection method: clinical testing. Allele origin: germline.
Comment: The p.P720S variant (also known as c.2158C>T), located in coding exon 12 of the RET gene, results from a C to T substitution at nucleotide position 2158. The proline at codon 720 is replaced by serine, an amino acid with similar properties. This amino acid position is highly conserved in available vertebrate species. In addition, this alteration is predicted to be deleterious by in silico analysis. Based on the available evidence, the clinical significance of this variant remains unclear.